The following is an entry in ClinVar:

ClinVar aggregate classification (germline): Likely benign (0 of 4 stars; one submission).

Conditions:
NFASC-related disorder. Also called: NFASC-related condition.

Allele frequency attached by ClinVar (database versions not stated): ExAC 0.00002; TOPMed 0.00005; gnomAD 0.00007; gnomAD exomes 0.00009; ESP Exome Variant Server 0.00023.
gnomAD v4.1: 147 of 1,613,092 alleles (0.0091%); highest among the groups gnomAD compares: Non-Finnish European, 0.011%; no homozygotes.

Submission:

PreventionGenetics, part of Exact Sciences
Classification: Likely benign for NFASC-related condition. Last evaluated: 2019-11-07. Review status: no assertion criteria provided. Collection method: clinical testing. Allele origin: germline.
Comment: This variant is classified as likely benign based on ACMG/AMP sequence variant interpretation guidelines (Richards et al. 2015 PMID: 25741868, with internal and published modifications).

NM_001005388.3(NFASC):c.813C>T (p.Ser271=)

Gene: NFASC (neurofascin; plus strand). Cytogenetic location: 1q32.1.
Variant type: single nucleotide variant.
Coding change: c.813C>T on transcript NM_001005388.3 (MANE Select); coding-DNA position 813, C replaced by T.
Protein change: p.Ser271=; no amino-acid change (serine 271 retained).
Molecular consequence: synonymous variant. On other transcripts: non-coding transcript variant (1).
Genome position (GRCh38, 1-based): chr1:204,968,355, C>T. VCF-style: chr1-204968355-C-T. GRCh37 (hg19) VCF-style: chr1-204937483-C-T.
Other names: c.846C>T, p.Ser282= (NM_001160331.2, NM_001160332.2, NM_001365986.1 and 3 more transcripts); c.795C>T, p.Ser265= (NM_001160333.2); c.813C>T, p.Ser271= (NM_001378329.1, NM_001005389.2).
Identifiers: ClinVar variation 3045816 (VCV003045816.2), dbSNP rs140997318, ClinGen allele CA1349729.